The following is an entry in ClinVar:

ClinVar aggregate classification (germline): Uncertain significance (1 of 4 stars; one submission).

Conditions:
Agammaglobulinemia 7, autosomal recessive (AGM7). Also called: AGAMMAGLOBULINEMIA, AUTOSOMAL RECESSIVE, DUE TO PIK3R1 DEFECT. Identifiers: MedGen C3554689, MONDO:0014083, OMIM 615214.
Immunodeficiency 36 with lymphoproliferation. Also called: Immunodeficiency 36; ACTIVATED PI3K-DELTA SYNDROME 2; Activated PI3K Delta Syndrome Type 2 (APDS2). Identifiers: Orphanet 397596, Orphanet 693681, MedGen C4014934, MONDO:0014453, OMIM 616005.
SHORT syndrome. Also called: SHORT STATURE, HYPEREXTENSIBILITY, HERNIA, OCULAR DEPRESSION, RIEGER ANOMALY, AND TEETHING DELAY; LIPODYSTROPHY, PARTIAL, WITH RIEGER ANOMALY AND SHORT STATURE; PIK3R1-Related SHORT Syndrome. Identifiers: Orphanet 3163, MedGen C0878684, MONDO:0010026, OMIM 269880.

gnomAD v4.1: 4 of 1,614,074 alleles (0.00025%); highest among the groups gnomAD compares: Non-Finnish European, 0.00034%; no homozygotes.

Submission:

Labcorp Genetics (formerly Invitae), Labcorp
Classification: Uncertain significance for SHORT syndrome; Immunodeficiency 36 with lymphoproliferation; Agammaglobulinemia 7, autosomal recessive. Last evaluated: 2024-04-25. Review status: criteria provided, single submitter. Criteria: Invitae Variant Classification Sherloc (09022015). Collection method: clinical testing. Allele origin: germline.
Comment: This sequence change replaces asparagine, which is neutral and polar, with serine, which is neutral and polar, at codon 600 of the PIK3R1 protein (p.Asn600Ser). This variant is not present in population databases (gnomAD no frequency). This variant has not been reported in the literature in individuals affected with PIK3R1-related conditions. Advanced modeling of protein sequence and biophysical properties (such as structural, functional, and spatial information, amino acid conservation, physicochemical variation, residue mobility, and thermodynamic stability) performed at Invitae indicates that this missense variant is not expected to disrupt PIK3R1 protein function with a negative predictive value of 80%. In summary, the available evidence is currently insufficient to determine the role of this variant in disease. Therefore, it has been classified as a Variant of Uncertain Significance.

NM_181523.3(PIK3R1):c.1799A>G (p.Asn600Ser)

Gene: PIK3R1 (phosphoinositide-3-kinase regulatory subunit 1; plus strand). Cytogenetic location: 5q13.1.
Variant type: single nucleotide variant.
Coding change: c.1799A>G on transcript NM_181523.3 (MANE Select); coding-DNA position 1799, A replaced by G.
Protein change: p.Asn600Ser; replaces asparagine 600 with serine.
Molecular consequence: missense variant.
Genome position (GRCh38, 1-based): chr5:68,295,473, A>G. VCF-style: chr5-68295473-A-G. GRCh37 (hg19) VCF-style: chr5-67591301-A-G.
Other names: c.710A>G, p.Asn237Ser (NM_001242466.2); c.989A>G, p.Asn330Ser (NM_181504.4); c.899A>G, p.Asn300Ser (NM_181524.2); short protein forms N237S, N300S, N330S, N600S.
Identifiers: ClinVar variation 3761527 (VCV003761527.2).